The following is an entry in ClinVar:

NM_001384732.1(CPLANE1):c.3692T>C (p.Leu1231Pro)

Gene: CPLANE1 (ciliogenesis and planar polarity effector complex subunit 1; minus strand). Cytogenetic location: 5p13.2.
Variant type: single nucleotide variant.
Coding change: c.3692T>C on transcript NM_001384732.1 (MANE Select); coding-DNA position 3692, T replaced by C.
Protein change: p.Leu1231Pro; replaces leucine 1231 with proline.
Molecular consequence: missense variant.
Genome position (GRCh38, 1-based): chr5:37,195,977, A>G on the plus strand (T>C on the coding strand, the complement: CPLANE1 is on the minus strand). VCF-style: chr5-37195977-A-G. GRCh37 (hg19) VCF-style: chr5-37196079-A-G.
Other names: c.3692T>C, p.Leu1231Pro (NM_023073.4); short protein forms L1231P.
Identifiers: ClinVar variation 2415257 (VCV002415257.6), dbSNP rs1325366988, ClinGen allele CA359510528.

ClinVar aggregate classification (germline): Uncertain significance (1 of 4 stars; one submission).

Allele frequency attached by ClinVar (database versions not stated): TOPMed below 0.00001; gnomAD 0.00001.
gnomAD v4.1: 1 of 1,605,102 alleles (0.000062%); highest among the groups gnomAD compares: Admixed American, 0.0017%; no homozygotes.

Submission:

Labcorp Genetics (formerly Invitae), Labcorp
Classification: Uncertain significance. Last evaluated: 2022-07-22. Review status: criteria provided, single submitter. Criteria: Invitae Variant Classification Sherloc (09022015). Collection method: clinical testing. Allele origin: germline.
Comment: This sequence change replaces leucine, which is neutral and non-polar, with proline, which is neutral and non-polar, at codon 1231 of the CPLANE1 protein (p.Leu1231Pro). This variant is not present in population databases (gnomAD no frequency). This variant has not been reported in the literature in individuals affected with CPLANE1-related conditions. Advanced modeling of protein sequence and biophysical properties (such as structural, functional, and spatial information, amino acid conservation, physicochemical variation, residue mobility, and thermodynamic stability) performed at Invitae indicates that this missense variant is expected to disrupt CPLANE1 protein function. In summary, the available evidence is currently insufficient to determine the role of this variant in disease. Therefore, it has been classified as a Variant of Uncertain Significance.